The following is an entry in ClinVar:

ClinVar aggregate classification (germline): Pathogenic (1 of 4 stars; one submission).

Submission:

Labcorp Genetics (formerly Invitae), Labcorp
Classification: Pathogenic. Last evaluated: 2024-05-06. Review status: criteria provided, single submitter. Criteria: Invitae Variant Classification Sherloc (09022015). Collection method: clinical testing. Allele origin: germline.
Comment: This sequence change creates a premature translational stop signal (p.Arg905Glufs*20) in the ABCC2 gene. It is expected to result in an absent or disrupted protein product. Loss-of-function variants in ABCC2 are known to be pathogenic (PMID: 9185779, 16549534, 16952291). This variant is not present in population databases (gnomAD no frequency). This variant has not been reported in the literature in individuals affected with ABCC2-related conditions. For these reasons, this variant has been classified as Pathogenic.

Literature cited by the submitters: PubMed 9185779; PubMed 16549534; PubMed 16952291.

NM_000392.5(ABCC2):c.2713del (p.Arg905fs)

Genes: ABCC2 (ATP binding cassette subfamily C member 2; plus strand), LOC126861012 (BRD4-independent group 4 enhancer GRCh37_chr10:101589748-101590947; plus strand). Cytogenetic location: 10q24.2.
Variant type: Deletion.
Coding change: c.2713del on transcript NM_000392.5 (MANE Select); coding-DNA position 2713, one base deleted (A; older notation c.2713delA).
Protein change: p.Arg905fs; shifts the reading frame from arginine 905.
Molecular consequence: frameshift variant.
Genome position (GRCh38, 1-based): chr10:99,830,399, A deleted; the last of 2 consecutive A bases (chr10:99,830,398-99,830,399); deleting either gives the same sequence. VCF-style (leftmost placement, unchanged base first): chr10-99830397-GA-G. GRCh37 (hg19) VCF-style: chr10-101590154-GA-G.
Other names: short protein forms R905fs.
Identifiers: ClinVar variation 3610449 (VCV003610449.2).